The following is an entry in ClinVar:

ClinVar aggregate classification (germline): Uncertain significance (1 of 4 stars; one submission).

Conditions:
Arrhythmogenic right ventricular dysplasia 12. Also called: ARRHYTHMOGENIC RIGHT VENTRICULAR DYSPLASIA, FAMILIAL, 12. Identifiers: MedGen C1969081, MONDO:0012684, OMIM 611528.
Naxos disease (NXD). Also called: KERATOSIS PALMOPLANTARIS WITH ARRHYTHMOGENIC CARDIOMYOPATHY; MAL DE NAXOS; PALMOPLANTAR KERATODERMA WITH ARRHYTHMOGENIC RIGHT VENTRICULAR CARDIOMYOPATHY AND WOOLLY HAIR; CARDIOMYOPATHY, ARRHYTHMOGENIC RIGHT VENTRICULAR, WITH SKIN, HAIR, AND NAIL ABNORMALITIES; WOOLLY HAIR, PALMOPLANTAR KERATODERMA, AND CARDIAC ABNORMALITIES. Identifiers: Orphanet 34217, MedGen C1832600, MONDO:0011017, OMIM 601214.

Allele frequency attached by ClinVar (database versions not stated): gnomAD exomes below 0.00001.
gnomAD v4.1: 1 of 1,614,122 alleles (0.000062%); highest among the groups gnomAD compares: South Asian, 0.0011%; no homozygotes.

Submission:

Labcorp Genetics (formerly Invitae), Labcorp
Classification: Uncertain significance for Arrhythmogenic right ventricular dysplasia 12; Naxos disease. Last evaluated: 2022-12-02. Review status: criteria provided, single submitter. Criteria: Invitae Variant Classification Sherloc (09022015). Collection method: clinical testing. Allele origin: germline.
Comment: In summary, the available evidence is currently insufficient to determine the role of this variant in disease. Therefore, it has been classified as a Variant of Uncertain Significance. Algorithms developed to predict the effect of missense changes on protein structure and function are either unavailable or do not agree on the potential impact of this missense change (SIFT: "Tolerated"; PolyPhen-2: "Probably Damaging"; Align-GVGD: "Class C0"). ClinVar contains an entry for this variant (Variation ID: 855981). This variant has not been reported in the literature in individuals affected with JUP-related conditions. This variant is not present in population databases (gnomAD no frequency). This sequence change replaces glutamic acid, which is acidic and polar, with glycine, which is neutral and non-polar, at codon 350 of the JUP protein (p.Glu350Gly).

NM_002230.4(JUP):c.1049A>G (p.Glu350Gly)

Gene: JUP (junction plakoglobin; minus strand). Cytogenetic location: 17q21.2.
Variant type: single nucleotide variant.
Coding change: c.1049A>G on transcript NM_002230.4 (MANE Select); coding-DNA position 1049, A replaced by G.
Protein change: p.Glu350Gly; replaces glutamic acid 350 with glycine.
Molecular consequence: missense variant.
Genome position (GRCh38, 1-based): chr17:41,764,928, T>C on the plus strand (A>G on the coding strand, the complement: JUP is on the minus strand). VCF-style: chr17-41764928-T-C. GRCh37 (hg19) VCF-style: chr17-39921180-T-C.
Other names: c.1049A>G, p.Glu350Gly (NM_001352773.2, NM_001352774.2, NM_001352775.2 and 3 more transcripts); short protein forms E350G.
Identifiers: ClinVar variation 855981 (VCV000855981.9), dbSNP rs1915464336, ClinGen allele CA399499208.
Genomic context (GRCh38, chr17:41,764,928, plus strand): 5'-CCTGGCAGCTGGGCAGAGCTCCCACCCCAGCCGCCCTCAAGGCCATCATACTCACCAGCC[T>C]CCACAATGGCAGGCTTATTGCTGGGACACACGGATAGCACCTTGAGCACACGACTGGTGG-3'
Protein context (NP_002221.1, residues 340-360): VCPSNKPAIV[Glu350Gly]AGGMQALGKH